The following is an entry in ClinVar:

ClinVar aggregate classification (germline): Uncertain significance (1 of 4 stars; one submission).

Conditions:
Immunodeficiency. Identifiers: MedGen C0021051, MONDO:0021094, HP:0002721.

Submission:

Labcorp Genetics (formerly Invitae), Labcorp
Classification: Uncertain significance for Immunodeficiency. Last evaluated: 2023-11-17. Review status: criteria provided, single submitter. Criteria: Invitae Variant Classification Sherloc (09022015). Collection method: clinical testing. Allele origin: germline.
Comment: This sequence change replaces methionine, which is neutral and non-polar, with leucine, which is neutral and non-polar, at codon 824 of the NFAT5 protein (p.Met824Leu). This variant is not present in population databases (gnomAD no frequency). This variant has not been reported in the literature in individuals affected with NFAT5-related conditions. An algorithm developed to predict the effect of missense changes on protein structure and function (PolyPhen-2) suggests that this variant is likely to be tolerated. In summary, the available evidence is currently insufficient to determine the role of this variant in disease. Therefore, it has been classified as a Variant of Uncertain Significance.

NM_138713.4(NFAT5):c.2752A>T (p.Met918Leu)

Gene: NFAT5 (nuclear factor of activated T cells 5; plus strand). Cytogenetic location: 16q22.1.
Variant type: single nucleotide variant.
Coding change: c.2752A>T on transcript NM_138713.4 (MANE Select); coding-DNA position 2752, A replaced by T.
Protein change: p.Met918Leu; replaces methionine 918 with leucine.
Molecular consequence: missense variant.
Genome position (GRCh38, 1-based): chr16:69,692,577, A>T. VCF-style: chr16-69692577-A-T. GRCh37 (hg19) VCF-style: chr16-69726480-A-T.
Other names: c.2749A>T, p.Met917Leu (NM_001113178.3); c.2077A>T, p.Met693Leu (NM_001367709.1); c.2698A>T, p.Met900Leu (NM_006599.4); c.2470A>T, p.Met824Leu (NM_138714.4, NM_173214.3, NM_173215.3); short protein forms M900L, M918L, M693L, M824L, M917L.
Identifiers: ClinVar variation 2696516 (VCV002696516.3), dbSNP rs2544237212, ClinGen allele CA396510718.